The following is an entry in ClinVar:

NM_004817.4(TJP2):c.2085GAA[2] (p.Lys697del)

Gene: TJP2 (tight junction protein 2; plus strand). Cytogenetic location: 9q21.11.
Variant type: Microsatellite.
Coding change: c.2085GAA[2] on transcript NM_004817.4 (MANE Select); two copies in a row of the 3-base unit GAA starting at c.2085; the reference has three copies in a row; one copy, 3 bases deleted.
Protein change: p.Lys697del; deletes lysine 697.
Molecular consequence: inframe deletion.
Genome position (GRCh38, 1-based): chr9:69,237,048-69,237,050, GAA deleted; deleting any 3 consecutive bases within chr9:69,237,042-69,237,050 gives the same sequence; the position shown is the placement nearest the transcript's 3' end. VCF-style (leftmost placement, unchanged base first): chr9-69237041-TGAA-T. GRCh37 (hg19) VCF-style: chr9-71851957-TGAA-T.
Other names: c.2016GAA[2], p.Lys674del (NM_001170414.2, NM_001369871.1); c.2097GAA[2], p.Lys701del (NM_001170415.1, NM_001369874.1, NM_001369875.1); c.2178GAA[2], p.Lys728del (NM_001170416.2); c.2010GAA[2], p.Lys672del (NM_001369870.1); c.2085GAA[2], p.Lys697del (NM_001369872.1, NM_001369873.1, NM_201629.3); short protein forms K672del, K728del, K697del, K674del, K701del.
Identifiers: ClinVar variation 4999020 (VCV004999020.1).

ClinVar aggregate classification (germline): Uncertain significance (1 of 4 stars; one submission).

Conditions:
TJP2-related disorder. Also called: TJP2-related condition.

Submission:

PreventionGenetics, part of Exact Sciences
Classification: Uncertain significance for TJP2-related condition. Last evaluated: 2025-07-26. Review status: criteria provided, single submitter. Criteria: ACMG Guidelines, 2015. Collection method: clinical testing. Allele origin: germline.
Comment: The TJP2 c.2091_2093delGAA variant is predicted to result in an in-frame deletion (p.Lys697del). To our knowledge, this variant has not been reported in the literature or in a large population database (gnomAD), indicating this variant is rare. At this time, the clinical significance of this variant is uncertain due to the absence of conclusive functional and genetic evidence.